The following is an entry in ClinVar:

ClinVar aggregate classification (germline): Pathogenic (1 of 4 stars; one submission).

Submission:

Quest Diagnostics Nichols Institute San Juan Capistrano
Classification: Pathogenic. Last evaluated: 2024-09-17. Review status: criteria provided, single submitter. Criteria: ACMG/ClinGen CNV Guidelines, 2019. Collection method: clinical testing. Allele origin: unknown.
Comment: This 10p14 loss involves five protein-coding genes, including the entire GATA3 (OMIM 131320). Haploinsufficiency of GATA3 is associated with autosomal dominant hypoparathyroidism, sensorineural deafness, and renal dysplasia syndrome (HDRS; OMIM 146255, HGNC 4172). There are no similar copy number losses of this region in the general populations of the Database of Genomic Variants. Therefore, based on gene content and current medical literature, this copy number variant (CNV) is classified as pathogenic.

GRCh37/hg19 10p14(chr10:7748453-9870680)x1

Genes: ATP5F1C (ATP synthase F1 subunit gamma; plus strand), GATA3 (GATA binding protein 3; plus strand), ITIH2 (inter-alpha-trypsin inhibitor heavy chain 2; plus strand), KIN (Kin17 DNA and RNA binding protein; minus strand), TAF3 (TATA-box binding protein associated factor 3; plus strand). Cytogenetic location: 10p14.
Variant type: copy number loss.
Change: copy number 1 (one copy instead of two) of chr10:7,748,453-9,870,680 (2.12 Mb, GRCh37 coordinates, 1-based), cytogenetic band 10p14.
Identifiers: ClinVar variation 4682766 (VCV004682766.1).